The following is an entry in ClinVar:

NM_004004.6(GJB2):c.238C>T (p.Gln80Ter)

Gene: GJB2 (gap junction protein beta 2; minus strand). Cytogenetic location: 13q12.11.
Variant type: single nucleotide variant.
Coding change: c.238C>T on transcript NM_004004.6 (MANE Select); coding-DNA position 238, C replaced by T.
Protein change: p.Gln80Ter; replaces glutamine 80 with a stop codon.
Molecular consequence: nonsense.
Genome position (GRCh38, 1-based): chr13:20,189,344, G>A on the plus strand (C>T on the coding strand, the complement: GJB2 is on the minus strand). VCF-style: chr13-20189344-G-A. GRCh37 (hg19) VCF-style: chr13-20763483-G-A.
Other names: short protein forms Q80*.
Identifiers: ClinVar variation 371685 (VCV000371685.20), dbSNP rs199883710, ClinGen allele CA6904300.

ClinVar aggregate classification (germline): Pathogenic/Likely pathogenic. Review status: criteria provided, multiple submitters, no conflicts (2 of 4 stars). 8 submissions from 7 submitters: Pathogenic (3); Likely pathogenic (3). 2 of the submissions do not count toward it. Last evaluated 2026-06-16.

Conditions:
Autosomal dominant keratitis-ichthyosis-hearing loss syndrome. Also called: Senter syndrome; HID SYNDROME; KID SYNDROME, AUTOSOMAL DOMINANT. Identifiers: Orphanet 477, MedGen C0265336, MONDO:0007850, OMIM 148210.
Knuckle pads, deafness AND leukonychia syndrome. Also called: Bart-Pumphrey syndrome. Identifiers: Orphanet 2698, MedGen C0266004, MONDO:0007866, OMIM 149200.
Autosomal recessive nonsyndromic hearing loss 1A (DFNB1A). Also called: GJB6-Related DFNB 1 Nonsyndromic Hearing Loss and Deafness; Deafness, autosomal recessive 1A; Nonsyndromic Hearing Loss and Deafness, DFNB1; GJB2-Related Autosomal Recessive Nonsyndromic Hearing Loss; Connexin 26 deafness; Deafness nonsyndromic, Connexin 26 linked. Identifiers: Orphanet 90636, MedGen C2673759, MONDO:0009076, OMIM 220290.
Palmoplantar keratoderma-deafness syndrome. Also called: Keratoderma palmoplantar, with deafness; Palmoplantar keratoderma and sensorineural deafness; Hereditary palmoplantar keratoderma with deafness (subtype); Focal palmoplantar keratoderma with sensorineural deafness (subtype); Diffuse palmoplantar keratoderma with deafness (subtype). Identifiers: Orphanet 2202, MedGen C1835672, MONDO:0007852, OMIM 148350.
Ichthyosis, hystrix-like, with hearing loss. Also called: Hystrix-like ichthyosis with deafness. Identifiers: Orphanet 477, MedGen C1865234, MONDO:0011245.
Autosomal dominant nonsyndromic hearing loss 3A. Identifiers: Orphanet 90635, MedGen C2675750, MONDO:0011103, OMIM 601544.
Mutilating keratoderma (VOWNKL). Also called: Keratoderma hereditarium mutilans. Identifiers: Orphanet 494, MedGen C0265964, MONDO:0007422, OMIM 124500.
Nonsyndromic genetic hearing loss. Also called: Non-syndromic genetic deafness; Nonsyndromic genetic deafness; Nonsyndromic hearing loss and deafness. Identifiers: Orphanet 87884, MedGen C5680182, MONDO:0019497.
GJB2-related disorder. Also called: GJB2-related condition; GJB2-related disorders. Identifiers: MedGen CN382183, MONDO:1060236.

Allele frequency attached by ClinVar (database versions not stated): ESP Exome Variant Server 0.00008; ExAC 0.00001; TOPMed 0.00005; 1000 Genomes Project 30x 0.00031; gnomAD exomes 0.00001; gnomAD 0.00006; 1000 Genomes Project 0.00020.
gnomAD v4.1: 16 of 1,614,160 alleles (0.00099%); highest among the groups gnomAD compares: African/African-American, 0.016%; no homozygotes.

Submissions (8):

PreventionGenetics, part of Exact Sciences
Classification: Pathogenic for GJB2-related condition. Last evaluated: 2026-06-16. Review status: criteria provided, single submitter. Criteria: ACMG Guidelines, 2015. Collection method: clinical testing. Allele origin: germline.
Comment: The GJB2 c.238C>T variant is predicted to result in premature protein termination (p.Gln80*). This variant has been reported in the homozygous or compound heterozygous state in at least two individuals with hearing loss (Singh et al. 2018. PubMed ID: 30168495; Tang et al. 2006. PubMed ID: 17041943). This variant is reported in 0.012% of alleles in individuals of African descent in gnomAD. Nonsense variants in GJB2 are expected to be pathogenic. This variant is interpreted as pathogenic.

Natera, Inc.
Classification: Likely pathogenic for Autosomal recessive deafness type 1A. Last evaluated: 2025-07-07. Review status: criteria provided, single submitter. Criteria: Natera Variant Classification Schema (03/2026). Collection method: clinical testing. Allele origin: germline.
Comment: The c.238C>T variant in GJB2 is a nonsense variant predicted to introduce a stop codon at amino acid 80. This variant is expected to result in nonsense mediated decay, truncation, or a dysfunctional protein product. This variant is rare in the general population with a frequency below the threshold expected for the associated phenotype(s). This variant has been observed in one or more individuals affected with the associated recessive disease, as either homozygous or compound heterozygous with a second variant (PMID: 30168495, 17041943). Given the available evidence, this variant is classified as Likely Pathogenic.

Women's Health and Genetics/Laboratory Corporation of America, LabCorp
Classification: Pathogenic for Nonsyndromic genetic hearing loss. Last evaluated: 2024-08-06. Review status: criteria provided, single submitter. Criteria: LabCorp Variant Classification Summary - May 2015. Collection method: clinical testing. Allele origin: germline.
Comment: Variant summary: GJB2 c.238C>T (p.Gln80X) results in a premature termination codon, predicted to cause a truncation of the encoded protein or absence of the protein. The variant allele was found at a frequency of 8e-06 in 251380 control chromosomes. c.238C>T has been reported in the literature in individuals affected with Non-Syndromic Hearing Loss (Putcha_2007, Singh_2018, Tang_2006). The following publications have been ascertained in the context of this evaluation (PMID: 17666888, 30168495, 17041943). ClinVar contains an entry for this variant (Variation ID: 371685). Based on the evidence outlined above, the variant was classified as pathogenic.

GeneDx
Classification: Likely pathogenic. Last evaluated: 2024-06-10. Review status: criteria provided, single submitter. Criteria: GeneDx Variant Classification Process June 2021. Collection method: clinical testing. Allele origin: germline. Affected: yes.
Comment: Nonsense variant predicted to result in protein truncation, as the last 147 amino acids are lost, and other loss-of-function variants have been reported downstream in HGMD; This variant is associated with the following publications: (PMID: 30168495, 16950989, 17666888, 25087612, 30473554, 17041943, 36048236)

Fulgent Genetics
Classification: Likely pathogenic for Mutilating keratoderma; Autosomal dominant keratitis-ichthyosis-hearing loss syndrome; Palmoplantar keratoderma-deafness syndrome; Knuckle pads, deafness AND leukonychia syndrome; Autosomal recessive nonsyndromic hearing loss 1A; Autosomal dominant nonsyndromic hearing loss 3A. Last evaluated: 2024-06-03. Review status: criteria provided, single submitter. Criteria: ACMG Guidelines, 2015. Collection method: clinical testing. Allele origin: germline.

Labcorp Genetics (formerly Invitae), Labcorp
Classification: Pathogenic. Last evaluated: 2023-11-17. Review status: criteria provided, single submitter. Criteria: Invitae Variant Classification Sherloc (09022015). Collection method: clinical testing. Allele origin: germline.
Comment: This sequence change creates a premature translational stop signal (p.Gln80*) in the GJB2 gene. While this is not anticipated to result in nonsense mediated decay, it is expected to disrupt the last 147 amino acid(s) of the GJB2 protein. This variant is present in population databases (rs199883710, gnomAD 0.01%). This premature translational stop signal has been observed in individual(s) with autosomal recessive deafness (PMID: 17041943, 30168495). ClinVar contains an entry for this variant (Variation ID: 371685). This variant disrupts a region of the GJB2 protein in which other variant(s) (p.His100Argfs*14) have been determined to be pathogenic (PMID: 10633133, 12111646, 20083784, 22991996, 24341454, 26043044, 27610647). This suggests that this is a clinically significant region of the protein, and that variants that disrupt it are likely to be disease-causing. For these reasons, this variant has been classified as Pathogenic.

Counsyl
Classification: Likely pathogenic for Autosomal recessive nonsyndromic hearing loss 1A. Last evaluated: 2016-09-09. Review status: no assertion criteria provided. Collection method: clinical testing. Allele origin: unknown. Not counted in ClinVar's aggregate classification.

Counsyl
Classification: Likely pathogenic for Autosomal dominant nonsyndromic hearing loss 3A. Last evaluated: 2016-09-09. Review status: no assertion criteria provided. Collection method: clinical testing. Allele origin: unknown. Not counted in ClinVar's aggregate classification.

Literature cited by the submitters: PubMed 30168495 (cited by 3 submitters); PubMed 17041943 (cited by 4 submitters); PubMed 17666888 (cited by Women's Health and Genetics/Laboratory Corporation of America, LabCorp and Counsyl); PubMed 10633133 (cited by Labcorp Genetics (formerly Invitae), Labcorp); PubMed 12111646 (cited by Labcorp Genetics (formerly Invitae), Labcorp); PubMed 20083784 (cited by Labcorp Genetics (formerly Invitae), Labcorp); PubMed 22991996 (cited by Labcorp Genetics (formerly Invitae), Labcorp); PubMed 24341454 (cited by Labcorp Genetics (formerly Invitae), Labcorp); PubMed 26043044 (cited by Labcorp Genetics (formerly Invitae), Labcorp); PubMed 27610647 (cited by Labcorp Genetics (formerly Invitae), Labcorp).